The following is an entry in ClinVar:

NM_032119.4(ADGRV1):c.15839del (p.Tyr5280fs)

Gene: ADGRV1 (adhesion G protein-coupled receptor V1; plus strand). Cytogenetic location: 5q14.3.
Variant type: Deletion.
Coding change: c.15839del on transcript NM_032119.4 (MANE Select); coding-DNA position 15839, one base deleted (A; older notation c.15839delA).
Protein change: p.Tyr5280fs; shifts the reading frame from tyrosine 5280.
Molecular consequence: frameshift variant. On other transcripts: non-coding transcript variant (1).
Genome position (GRCh38, 1-based): chr5:90,811,099, A deleted. VCF-style (leftmost placement, unchanged base first): chr5-90811098-TA-T. GRCh37 (hg19) VCF-style: chr5-90106915-TA-T.
Other names: short protein forms Y5280fs.
Identifiers: ClinVar variation 1997108 (VCV001997108.4), dbSNP rs2532192085, ClinGen allele CA2528646000.

ClinVar aggregate classification (germline): Pathogenic (1 of 4 stars; one submission).

Submission:

Labcorp Genetics (formerly Invitae), Labcorp
Classification: Pathogenic. Last evaluated: 2023-04-26. Review status: criteria provided, single submitter. Criteria: Invitae Variant Classification Sherloc (09022015). Collection method: clinical testing. Allele origin: germline.
Comment: This sequence change creates a premature translational stop signal (p.Tyr5280Leufs*6) in the ADGRV1 gene. It is expected to result in an absent or disrupted protein product. Loss-of-function variants in ADGRV1 are known to be pathogenic (PMID: 19357117, 22135276, 22147658, 26226137, 30718709, 31047384, 32467589). This variant is not present in population databases (gnomAD no frequency). This variant has not been reported in the literature in individuals affected with ADGRV1-related conditions. ClinVar contains an entry for this variant (Variation ID: 1997108). For these reasons, this variant has been classified as Pathogenic.

Literature cited by the submitters: PubMed 19357117; PubMed 22135276; PubMed 22147658; PubMed 26226137; PubMed 30718709; PubMed 31047384; PubMed 32467589.